The following is an entry in ClinVar:

ClinVar aggregate classification (germline): Uncertain significance (1 of 4 stars; one submission).

Allele frequency attached by ClinVar (database versions not stated): ExAC 0.00003.
gnomAD v4.1: 12 of 1,611,794 alleles (0.00074%); highest among the groups gnomAD compares: South Asian, 0.0099%; no homozygotes.

Submission:

Ambry Genetics
Classification: Uncertain significance. Last evaluated: 2023-03-23. Review status: criteria provided, single submitter. Criteria: Ambry Variant Classification Scheme 2023. Collection method: clinical testing. Allele origin: germline.
Comment: The p.V430L variant (also known as c.1288G>T), located in coding exon 13 of the PRKDC gene, results from a G to T substitution at nucleotide position 1288. The valine at codon 430 is replaced by leucine, an amino acid with highly similar properties. This amino acid position is conserved. In addition, this alteration is predicted to be tolerated by in silico analysis. Since supporting evidence is limited at this time, the clinical significance of this alteration remains unclear.

NM_006904.7(PRKDC):c.1288G>T (p.Val430Leu)

Gene: PRKDC (protein kinase, DNA-activated, catalytic subunit; minus strand). Cytogenetic location: 8q11.21.
Variant type: single nucleotide variant.
Coding change: c.1288G>T on transcript NM_006904.7 (MANE Select); coding-DNA position 1288, G replaced by T.
Protein change: p.Val430Leu; replaces valine 430 with leucine.
Molecular consequence: missense variant.
Genome position (GRCh38, 1-based): chr8:47,935,891, C>A on the plus strand (G>T on the coding strand, the complement: PRKDC is on the minus strand). VCF-style: chr8-47935891-C-A. GRCh37 (hg19) VCF-style: chr8-48848451-C-A.
Other names: c.1288G>T, p.Val430Leu (NM_001081640.2); short protein forms V430L.
Identifiers: ClinVar variation 2564505 (VCV002564505.2), dbSNP rs565514103, ClinGen allele CA4741760.
Genomic context (GRCh38, chr8:47,935,891, plus strand): 5'-TGTACTGTGGGAAACTGTCTATCTGCATCACCACGAGGTGCTCCAGAACTGGAGTATACA[C>A]CTCAGGAACCTACCGGAAATAATCAGCAAACCGTGAGTTAGAGGAGGTAATCAATGAATA-3'
Protein context (NP_008835.5, residues 420-440): VLLYLDTVPE[Val430Leu]YTPVLEHLVV